The following is an entry in ClinVar:

NM_002206.3(ITGA7):c.1256T>C (p.Leu419Pro)

Gene: ITGA7 (integrin subunit alpha 7; minus strand). Cytogenetic location: 12q13.2.
Variant type: single nucleotide variant.
Coding change: c.1256T>C on transcript NM_002206.3 (MANE Select); coding-DNA position 1256, T replaced by C.
Protein change: p.Leu419Pro; replaces leucine 419 with proline.
Molecular consequence: missense variant. On other transcripts: 5 prime UTR variant (1).
Genome position (GRCh38, 1-based): chr12:55,697,963, A>G on the plus strand (T>C on the coding strand, the complement: ITGA7 is on the minus strand). VCF-style: chr12-55697963-A-G. GRCh37 (hg19) VCF-style: chr12-56091747-A-G.
Other names: c.1268T>C, p.Leu423Pro (NM_001144996.2, NM_001414029.1); c.977T>C, p.Leu326Pro (NM_001144997.2); c.929T>C, p.Leu310Pro (NM_001367993.1); c.-37T>C (NM_001367994.1); c.1256T>C, p.Leu419Pro (NM_001374465.1, NM_001414034.1); c.1388T>C, p.Leu463Pro (NM_001410977.1); c.1181T>C, p.Leu394Pro (NM_001414030.1); c.1169T>C, p.Leu390Pro (NM_001414031.1); and 3 more; short protein forms L419P, L310P, L326P, L423P, L463P, L306P, L379P, L390P.
Identifiers: ClinVar variation 1500951 (VCV001500951.8), dbSNP rs757970045, ClinGen allele CA6616017.

ClinVar aggregate classification (germline): Uncertain significance (1 of 4 stars; one submission).

Conditions:
Congenital muscular dystrophy due to integrin alpha-7 deficiency. Also called: MYOPATHY, CONGENITAL, DUE TO INTEGRIN ALPHA-7 DEFICIENCY; Congenital muscular dystrophy with integrin alpha-7 deficiency; Muscular dystrophy, congenital, due to ITGA7 deficiency. Identifiers: Orphanet 34520, MedGen C2750786, MONDO:0013177, OMIM 613204.

Allele frequency attached by ClinVar (database versions not stated): ExAC 0.00001; gnomAD 0.00001; gnomAD exomes 0.00001 and 0.00003; TOPMed 0.00001.
gnomAD v4.1: 51 of 1,613,952 alleles (0.0032%); highest among the groups gnomAD compares: Non-Finnish European, 0.0042%; no homozygotes.

Submission:

Labcorp Genetics (formerly Invitae), Labcorp
Classification: Uncertain significance for Congenital muscular dystrophy due to integrin alpha-7 deficiency. Last evaluated: 2020-11-11. Review status: criteria provided, single submitter. Criteria: Invitae Variant Classification Sherloc (09022015). Collection method: clinical testing. Allele origin: germline.
Comment: In summary, the available evidence is currently insufficient to determine the role of this variant in disease. Therefore, it has been classified as a Variant of Uncertain Significance. Algorithms developed to predict the effect of missense changes on protein structure and function are either unavailable or do not agree on the potential impact of this missense change (SIFT: "Tolerated"; PolyPhen-2: "Possibly Damaging"; Align-GVGD: "Class C0"). This variant has not been reported in the literature in individuals with ITGA7-related conditions. This variant is present in population databases (rs757970045, ExAC 0.001%). This sequence change replaces leucine with proline at codon 419 of the ITGA7 protein (p.Leu419Pro). The leucine residue is moderately conserved and there is a moderate physicochemical difference between leucine and proline.